The following is an entry in ClinVar:

ClinVar aggregate classification (germline): Uncertain significance. Review status: criteria provided, multiple submitters, no conflicts (2 of 4 stars). 2 submissions from 2 submitters: Uncertain significance (2). Last evaluated 2025-04-09.

Conditions:
Dyskeratosis congenita, autosomal recessive 6 (DKCB6). Identifiers: MedGen C4225356, MONDO:0014600, OMIM 616353.
Pulmonary fibrosis and/or bone marrow failure, Telomere-related, 4. Also called: PULMONARY FIBROSIS AND/OR BONE MARROW FAILURE SYNDROME, TELOMERE-RELATED, 4. Identifiers: Orphanet 2032, MedGen C4225347, MONDO:0014612, OMIM 616371.
Inborn genetic diseases. Identifiers: MedGen C0950123, MeSH D030342.

Allele frequency attached by ClinVar (database versions not stated): gnomAD exomes below 0.00001; TOPMed below 0.00001; gnomAD 0.00001; ExAC 0.00002.
gnomAD v4.1: 5 of 1,607,706 alleles (0.00031%); highest among the groups gnomAD compares: East Asian, 0.011%; no homozygotes.

Submissions (2):

Labcorp Genetics (formerly Invitae), Labcorp
Classification: Uncertain significance for Dyskeratosis congenita, autosomal recessive 6; Pulmonary fibrosis and/or bone marrow failure, Telomere-related, 4. Last evaluated: 2025-04-09. Review status: criteria provided, single submitter. Criteria: Invitae Variant Classification Sherloc (09022015). Collection method: clinical testing. Allele origin: germline.
Comment: This sequence change replaces glycine, which is neutral and non-polar, with serine, which is neutral and polar, at codon 46 of the PARN protein (p.Gly46Ser). This variant is present in population databases (rs755459951, gnomAD 0.02%). This variant has not been reported in the literature in individuals affected with PARN-related conditions. ClinVar contains an entry for this variant (Variation ID: 2618922). Invitae Evidence Modeling of protein sequence and biophysical properties (such as structural, functional, and spatial information, amino acid conservation, physicochemical variation, residue mobility, and thermodynamic stability) indicates that this missense variant is not expected to disrupt PARN protein function with a negative predictive value of 80%. In summary, the available evidence is currently insufficient to determine the role of this variant in disease. Therefore, it has been classified as a Variant of Uncertain Significance.

Ambry Genetics
Classification: Uncertain significance for Inborn genetic diseases. Last evaluated: 2023-08-15. Review status: criteria provided, single submitter. Criteria: Ambry Variant Classification Scheme 2023. Collection method: clinical testing. Allele origin: germline.

NM_002582.4(PARN):c.136G>A (p.Gly46Ser)

Gene: PARN (poly(A)-specific ribonuclease; minus strand). Cytogenetic location: 16p13.12.
Variant type: single nucleotide variant.
Coding change: c.136G>A on transcript NM_002582.4 (MANE Select); coding-DNA position 136, G replaced by A.
Protein change: p.Gly46Ser; replaces glycine 46 with serine.
Molecular consequence: missense variant. On other transcripts: 5 prime UTR variant (1).
Genome position (GRCh38, 1-based): chr16:14,628,213, C>T on the plus strand (G>A on the coding strand, the complement: PARN is on the minus strand). VCF-style: chr16-14628213-C-T. GRCh37 (hg19) VCF-style: chr16-14722070-C-T.
Other names: c.-48G>A (NM_001134477.3); c.136G>A, p.Gly46Ser (NM_001242992.2); short protein forms G46S.
Identifiers: ClinVar variation 2618922 (VCV002618922.5), dbSNP rs755459951, ClinGen allele CA7912523.